The following is an entry in ClinVar:

NM_000046.5(ARSB):c.1208del (p.Ser403fs)

Gene: ARSB (arylsulfatase B; minus strand). Cytogenetic location: 5q14.1.
Variant type: Deletion.
Coding change: c.1208del on transcript NM_000046.5 (MANE Select); coding-DNA position 1208, one base deleted (C; older notation c.1208delC).
Protein change: p.Ser403fs; shifts the reading frame from serine 403.
Molecular consequence: frameshift variant.
Genome position (GRCh38, 1-based): chr5:78,839,361, G deleted on the plus strand (C on the coding strand, the reverse complement: ARSB is on the minus strand). VCF-style (leftmost placement, unchanged base first): chr5-78839360-TG-T. GRCh37 (hg19) VCF-style: chr5-78135183-TG-T.
Other names: c.1208del, p.Ser403fs (NM_198709.3); short protein forms S403fs.
Identifiers: ClinVar variation 559690 (VCV000559690.2), dbSNP rs1554074124, ClinGen allele CA658822429.

ClinVar aggregate classification (germline): Pathogenic (1 of 4 stars; one submission).

Conditions:
Mucopolysaccharidosis type 6 (MPS6). Also called: MPS VI; N-ACETYLGALACTOSAMINE-4-SULFATASE DEFICIENCY; ARSB DEFICIENCY; ARYLSULFATASE B DEFICIENCY; MPS 6; Maroteaux Lamy syndrome. Identifiers: Orphanet 583, MedGen C0026709, MONDO:0009661, OMIM 253200.

Submission:

Laboratory of Diagnosis and Therapy of Lysosomal Disorders, University of Padova
Classification: Pathogenic for Mucopolysaccharidosis type 6. Last evaluated: 2018-01-01. Review status: criteria provided, single submitter. Criteria: ACMG Guidelines, 2015. Collection method: curation. Allele origin: germline. Affected: yes.
Comment: Frameshift variant (PVS1); In vitro functional studies supportive of a damaging effect on the gene product (low to no ARSB activity in homozygotes; PS3); Absent from GnomAD (PM2)

Literature cited by the submitters: PubMed 24677745; PubMed 30118150.